The following is an entry in ClinVar:

NM_001429.4(EP300):c.6619A>G (p.Asn2207Asp)

Gene: EP300 (EP300 lysine acetyltransferase; plus strand). Cytogenetic location: 22q13.2.
Variant type: single nucleotide variant.
Coding change: c.6619A>G on transcript NM_001429.4 (MANE Select); coding-DNA position 6619, A replaced by G.
Protein change: p.Asn2207Asp; replaces asparagine 2207 with aspartic acid.
Molecular consequence: missense variant.
Genome position (GRCh38, 1-based): chr22:41,178,330, A>G. VCF-style: chr22-41178330-A-G. GRCh37 (hg19) VCF-style: chr22-41574334-A-G.
Other names: c.6541A>G, p.Asn2181Asp (NM_001362843.2); short protein forms N2181D, N2207D.
Identifiers: ClinVar variation 4998190 (VCV004998190.1).
Genomic context (GRCh38, chr22:41,178,330, plus strand): 5'-CAAATGATGCAACAGCAGCAGCAACAGGGAGCAGGGCCAGGAATAGGCCCTGGAATGGCC[A>G]ACCATAACCAGTTCCAGCAACCCCAAGGAGTTGGCTACCCACCACAGCAGCAGCAGCGGA-3'
Protein context (NP_001420.2, residues 2197-2217): AGPGIGPGMA[Asn2207Asp]HNQFQQPQGV

ClinVar aggregate classification (germline): Uncertain significance (1 of 4 stars; one submission).

Conditions:
EP300-related disorder. Also called: EP300-related condition; EP300-related disorders.

Submission:

PreventionGenetics, part of Exact Sciences
Classification: Uncertain significance for EP300-related condition. Last evaluated: 2025-05-28. Review status: criteria provided, single submitter. Criteria: ACMG Guidelines, 2015. Collection method: clinical testing. Allele origin: germline.
Comment: The EP300 c.6619A>G variant is predicted to result in the amino acid substitution p.Asn2207Asp. To our knowledge, this variant has not been reported in the literature or in a large population database (gnomAD), indicating this variant is rare. At this time, the clinical significance of this variant is uncertain due to the absence of conclusive functional and genetic evidence.